The following is an entry in ClinVar:

ClinVar aggregate classification (germline): Conflicting classifications of pathogenicity. Review status: criteria provided, conflicting classifications (1 of 4 stars). 3 submissions from 3 submitters: Pathogenic (1); Uncertain significance (2). Last evaluated 2026-04-01.

Conditions:
Generalized epilepsy with febrile seizures plus, type 10. Also called: GEFS+, TYPE 10. Identifiers: MedGen C5193120, MONDO:0032777, OMIM 618482.
Early-infantile DEE. Also called: Early infantile epileptic encephalopathy; Ohtahara syndrome; Early infantile epileptic encephalopathy with suppression bursts. Identifiers: Orphanet 1934, MedGen C0393706, MONDO:0800491.

Allele frequency attached by ClinVar (database versions not stated): ExAC 0.00002; gnomAD 0.00004; TOPMed 0.00004; 1000 Genomes Project 30x 0.00016; 1000 Genomes Project 0.00020.
gnomAD v4.1: 72 of 1,613,562 alleles (0.0045%); highest among the groups gnomAD compares: Non-Finnish European, 0.0053%; no homozygotes.

Submissions (3):

CeGaT Center for Human Genetics Tuebingen
Classification: Uncertain significance. Last evaluated: 2026-04-01. Review status: criteria provided, single submitter. Criteria: CeGaT Center For Human Genetics Tuebingen Variant Classification Criteria Version 2. Collection method: clinical testing. Allele origin: germline. Affected: yes. Observed: 2 variant alleles.
Comment: HCN1: PP2, PP3

Labcorp Genetics (formerly Invitae), Labcorp
Classification: Pathogenic for Early-infantile DEE. Last evaluated: 2025-10-23. Review status: criteria provided, single submitter. Criteria: Invitae Variant Classification Sherloc (09022015). Collection method: clinical testing. Allele origin: germline.
Comment: This sequence change replaces valine, which is neutral and non-polar, with methionine, which is neutral and non-polar, at codon 508 of the HCN1 protein (p.Val508Met). This variant is present in population databases (rs180790607, gnomAD 0.01%). This missense change has been observed in individuals with HCN1-related conditions (internal data). It has also been observed to segregate with disease in related individuals. ClinVar contains an entry for this variant (Variation ID: 530453). Invitae Evidence Modeling of protein sequence and biophysical properties (such as structural, functional, and spatial information, amino acid conservation, physicochemical variation, residue mobility, and thermodynamic stability) indicates that this missense variant is not expected to disrupt HCN1 protein function with a negative predictive value of 95%. For these reasons, this variant has been classified as Pathogenic.

Pittsburgh Clinical Genomics Laboratory, University of Pittsburgh Medical Center
Classification: Uncertain significance for Generalized epilepsy with febrile seizures plus, type 10. Last evaluated: 2023-02-08. Review status: criteria provided, single submitter. Criteria: ACMG Guidelines, 2015. Collection method: clinical testing. Allele origin: germline. Inheritance: Autosomal dominant inheritance. Affected: yes.
Comment: This sequence variant is a single nucleotide substitution (G>A) at coding position 1522 of the HCN1 gene that results in a valine to methionine amino acid change at residue 508 of the HCN1 protein. This is a previously reported variant (ClinVar) that was been observed in a case-control study of individuals with early epileptic encephalopathy; it is unclear if the variant occurred in a control or affected individual (PMID: 24747641). This variant is present in 8 of 250,7068 alleles in the gnomAD population database (0.003%). Multiple bioinformatic tools predict that this valine to methionine amino acid change would be damaging, and the valine residue at this position is highly conserved across the vertebrate species examined. Studies examining the functiol consequence of this variant have not been published, to our knowledge. At this time, there is insufficient evidence to determine if this variant is pathogenic or benign. Therefore, we consider this a variant of uncertain significance. ACMG Criteria: PM2, PP2, PP3

Literature cited by the submitters: PubMed 24747641 (cited by Pittsburgh Clinical Genomics Laboratory, University of Pittsburgh Medical Center).

NM_021072.4(HCN1):c.1522G>A (p.Val508Met)

Gene: HCN1 (hyperpolarization activated cyclic nucleotide gated potassium channel 1; minus strand). Cytogenetic location: 5p12.
Variant type: single nucleotide variant.
Coding change: c.1522G>A on transcript NM_021072.4 (MANE Select); coding-DNA position 1522, G replaced by A.
Protein change: p.Val508Met; replaces valine 508 with methionine.
Molecular consequence: missense variant.
Genome position (GRCh38, 1-based): chr5:45,303,695, C>T on the plus strand (G>A on the coding strand, the complement: HCN1 is on the minus strand). VCF-style: chr5-45303695-C-T. GRCh37 (hg19) VCF-style: chr5-45303797-C-T.
Other names: short protein forms V508M.
Identifiers: ClinVar variation 530453 (VCV000530453.45), dbSNP rs180790607, ClinGen allele CA3259274.